The following is an entry in ClinVar:

ClinVar aggregate classification (germline): Uncertain significance (1 of 4 stars; one submission).

Conditions:
RANBP2-related disorder. Also called: RANBP2-related condition.

Allele frequency attached by ClinVar (database versions not stated): TOPMed below 0.00001; gnomAD 0.00001.
gnomAD v4.1: 4 of 1,614,104 alleles (0.00025%); highest among the groups gnomAD compares: African/African-American, 0.0053%; no homozygotes.

Submission:

PreventionGenetics, part of Exact Sciences
Classification: Uncertain significance for RANBP2-related condition. Last evaluated: 2023-05-21. Review status: criteria provided, single submitter. Criteria: ACMG Guidelines, 2015. Collection method: clinical testing. Allele origin: germline.
Comment: The RANBP2 c.9262A>T variant is predicted to result in the amino acid substitution p.Ile3088Phe. To our knowledge, this variant has not been reported in the literature or in a large population database, indicating this variant is rare. At this time, the clinical significance of this variant is uncertain due to the absence of conclusive functional and genetic evidence.

NM_006267.5(RANBP2):c.9262A>T (p.Ile3088Phe)

Gene: RANBP2 (RAN binding protein 2; plus strand). Cytogenetic location: 2q13.
Variant type: single nucleotide variant.
Coding change: c.9262A>T on transcript NM_006267.5 (MANE Select); coding-DNA position 9262, A replaced by T.
Protein change: p.Ile3088Phe; replaces isoleucine 3088 with phenylalanine.
Molecular consequence: missense variant.
Genome position (GRCh38, 1-based): chr2:108,782,755, A>T. VCF-style: chr2-108782755-A-T. GRCh37 (hg19) VCF-style: chr2-109399211-A-T.
Other names: c.9340A>T, p.Ile3114Phe (NM_001415871.1); c.9259A>T, p.Ile3087Phe (NM_001415872.1); c.9286A>T, p.Ile3096Phe (NM_001415873.1); short protein forms I3087F, I3088F, I3096F, I3114F.
Identifiers: ClinVar variation 2632453 (VCV002632453.1), dbSNP rs946357700, ClinGen allele CA53467300.